The following is an entry in ClinVar:

NM_001242896.3(DEPDC5):c.1666+194_1666+195dup

Gene: DEPDC5 (DEP domain containing 5, GATOR1 subcomplex subunit; plus strand). Cytogenetic location: 22q12.3.
Variant type: Duplication.
Coding change: c.1666+194_1666+195dup on transcript NM_001242896.3 (MANE Select); bases 194 to 195 of the intron after coding-DNA position 1666, 2 bases duplicated (TT; older notation c.1666+194_1666+195dupTT).
Molecular consequence: intron variant.
Genome position (GRCh38, 1-based): chr22:31,815,406-31,815,407, TT duplicated; duplicating any 2 consecutive bases within chr22:31,815,386-31,815,407 gives the same sequence; the c. name uses the placement nearest the transcript's 3' end. VCF-style (leftmost placement, unchanged base first): chr22-31815385-C-CTT. GRCh37 (hg19) VCF-style: chr22-32211371-C-CTT.
Other names: c.1666+194_1666+195dup (NM_001364318.2, NM_001136029.4, NM_014662.6 and 6 more transcripts); c.1582+194_1582+195dup (NM_001369902.1, NM_001369901.1); c.1667-10_1667-9dup (NM_001007188.4).
Identifiers: ClinVar variation 3044849 (VCV003044849.2), dbSNP rs10712869, ClinGen allele CA10196424.

ClinVar aggregate classification (germline): Likely benign (0 of 4 stars; one submission).

Conditions:
DEPDC5-related disorder. Also called: DEPDC5-related condition; DEPDC5-related related disorder.

Submission:

PreventionGenetics, part of Exact Sciences
Classification: Likely benign for DEPDC5-related condition. Last evaluated: 2019-06-28. Review status: no assertion criteria provided. Collection method: clinical testing. Allele origin: germline.
Comment: This variant is classified as likely benign based on ACMG/AMP sequence variant interpretation guidelines (Richards et al. 2015 PMID: 25741868, with internal and published modifications).